The following is an entry in ClinVar:

ClinVar aggregate classification (germline): Pathogenic. Review status: criteria provided, multiple submitters, no conflicts (2 of 4 stars). 6 submissions from 6 submitters: Pathogenic (6). Last evaluated 2024-11-25.

Conditions:
Juvenile myelomonocytic leukemia (JMML). Also called: LEUKEMIA, JUVENILE MYELOMONOCYTIC, SOMATIC. Identifiers: Orphanet 86834, MedGen C0349639, MONDO:0011908, OMIM 607785, HP:0012209.
Cardiovascular phenotype. Identifiers: MedGen CN230736.
Hereditary cancer-predisposing syndrome. Also called: Neoplastic Syndromes, Hereditary; Hereditary Cancer Syndrome; Hereditary neoplastic syndrome; Tumor predisposition. Identifiers: Orphanet 140162, MedGen C0027672, MeSH D009386, MONDO:0015356.
Neurofibromatosis, type 1 (NF1). Also called: Neurofibromatosis, type I; VON RECKLINGHAUSEN DISEASE; Peripheral type neurofibromatosis; NEUROFIBROMATOSIS, TYPE I, SOMATIC. Identifiers: Orphanet 636, MedGen C0027831, MONDO:0018975, OMIM 162200. Disease mechanism: loss of function.

Submissions (6):

GeneDx
Classification: Pathogenic. Last evaluated: 2024-11-25. Review status: criteria provided, single submitter. Criteria: GeneDx Variant Classification Process June 2021. Collection method: clinical testing. Allele origin: germline. Affected: yes.
Comment: Nonsense variant predicted to result in protein truncation [or nonsense mediated decay in a gene for which loss of function is a known mechanism of disease; Not observed at significant frequency in large population cohorts (gnomAD); This variant is associated with the following publications: (PMID: 31370276)

Labcorp Genetics (formerly Invitae), Labcorp
Classification: Pathogenic for Neurofibromatosis, type 1. Last evaluated: 2024-03-14. Review status: criteria provided, single submitter. Criteria: Invitae Variant Classification Sherloc (09022015). Collection method: clinical testing. Allele origin: germline.
Comment: This sequence change creates a premature translational stop signal (p.Gln2319*) in the NF1 gene. It is expected to result in an absent or disrupted protein product. Loss-of-function variants in NF1 are known to be pathogenic (PMID: 10712197, 23913538). This variant is not present in population databases (gnomAD no frequency). This premature translational stop signal has been observed in individual(s) with neurofibromatosis type 1 (PMID: 31370276). ClinVar contains an entry for this variant (Variation ID: 847696). Algorithms developed to predict the effect of sequence changes on RNA splicing suggest that this variant may disrupt the consensus splice site. For these reasons, this variant has been classified as Pathogenic.

Baylor Genetics
Classification: Pathogenic for Juvenile myelomonocytic leukemia. Last evaluated: 2023-02-26. Review status: criteria provided, single submitter. Criteria: ACMG Guidelines, 2015. Collection method: clinical testing. Allele origin: unknown.

Ambry Genetics
Classification: Pathogenic for Cardiovascular phenotype; Hereditary cancer-predisposing syndrome. Last evaluated: 2022-05-30. Review status: criteria provided, single submitter. Criteria: Ambry Variant Classification Scheme 2023. Collection method: clinical testing. Allele origin: germline.
Comment: The p.Q2319* variant (also known as c.6955C>T), located in coding exon 46 of the NF1 gene, results from a C to T substitution at nucleotide position 6955. This changes the amino acid from a glutamine to a stop codon within coding exon 46. This alteration has been identified in an individual meeting clinical diagnosis of Neurofibromatosis Type 1 (Giugliano T et al. Genes (Basel), 2019 07;10:). This variant is considered to be rare based on population cohorts in the Genome Aggregation Database (gnomAD). In addition to the clinical data presented in the literature, this alteration is expected to result in loss of function by premature protein truncation or nonsense-mediated mRNA decay. As such, this alteration is interpreted as a disease-causing mutation.

Genome-Nilou Lab
Classification: Pathogenic for Neurofibromatosis, type 1. Last evaluated: 2022-03-15. Review status: criteria provided, single submitter. Criteria: ACMG Guidelines, 2015. Collection method: clinical testing. Allele origin: germline. Affected: no.

Genome Diagnostics Laboratory, The Hospital for Sick Children
Classification: Pathogenic for Neurofibromatosis, type 1. Last evaluated: 2020-10-26. Review status: criteria provided, single submitter. Criteria: ACMG Guidelines, 2015. Collection method: clinical testing. Allele origin: germline. Affected: yes.

Literature cited by the submitters: PubMed 10712197 (cited by Labcorp Genetics (formerly Invitae), Labcorp); PubMed 23913538 (cited by Labcorp Genetics (formerly Invitae), Labcorp); PubMed 31370276 (cited by Labcorp Genetics (formerly Invitae), Labcorp).

NM_001042492.3(NF1):c.7018C>T (p.Gln2340Ter)

Gene: NF1 (neurofibromin 1; plus strand). Cytogenetic location: 17q11.2.
Variant type: single nucleotide variant.
Coding change: c.7018C>T on transcript NM_001042492.3 (MANE Select); coding-DNA position 7018, C replaced by T.
Protein change: p.Gln2340Ter; replaces glutamine 2340 with a stop codon.
Molecular consequence: nonsense.
Genome position (GRCh38, 1-based): chr17:31,340,601, C>T. VCF-style: chr17-31340601-C-T. GRCh37 (hg19) VCF-style: chr17-29667619-C-T.
Other names: c.6955C>T, p.Gln2319Ter (NM_000267.4); short protein forms Q2340*, Q2319*.
Identifiers: ClinVar variation 847696 (VCV000847696.15), dbSNP rs2069793099, ClinGen allele CA399015048.